The following is an entry in ClinVar:

ClinVar aggregate classification (germline): Uncertain significance (1 of 4 stars; one submission).

Submission:

Labcorp Genetics (formerly Invitae), Labcorp
Classification: Uncertain significance. Last evaluated: 2022-09-27. Review status: criteria provided, single submitter. Criteria: Invitae Variant Classification Sherloc (09022015). Collection method: clinical testing. Allele origin: germline.
Comment: In summary, the available evidence is currently insufficient to determine the role of this variant in disease. Therefore, it has been classified as a Variant of Uncertain Significance. Advanced modeling of protein sequence and biophysical properties (such as structural, functional, and spatial information, amino acid conservation, physicochemical variation, residue mobility, and thermodynamic stability) performed at Invitae indicates that this missense variant is not expected to disrupt KCNQ5 protein function. This variant has not been reported in the literature in individuals affected with KCNQ5-related conditions. This variant is not present in population databases (gnomAD no frequency). This sequence change replaces proline, which is neutral and non-polar, with leucine, which is neutral and non-polar, at codon 679 of the KCNQ5 protein (p.Pro679Leu).

NM_019842.4(KCNQ5):c.1979C>T (p.Pro660Leu)

Gene: KCNQ5 (potassium voltage-gated channel subfamily Q member 5; plus strand). Cytogenetic location: 6q13.
Variant type: single nucleotide variant.
Coding change: c.1979C>T on transcript NM_019842.4 (MANE Select); coding-DNA position 1979, C replaced by T.
Protein change: p.Pro660Leu; replaces proline 660 with leucine.
Molecular consequence: missense variant.
Genome position (GRCh38, 1-based): chr6:73,194,594, C>T. VCF-style: chr6-73194594-C-T. GRCh37 (hg19) VCF-style: chr6-73904317-C-T.
Other names: c.1952C>T, p.Pro651Leu (NM_001160130.2); c.2009C>T, p.Pro670Leu (NM_001160132.2); c.2036C>T, p.Pro679Leu (NM_001160133.2); c.1649C>T, p.Pro550Leu (NM_001160134.2); short protein forms P679L, P660L, P550L, P651L, P670L.
Identifiers: ClinVar variation 2030350 (VCV002030350.4), dbSNP rs2533930419, ClinGen allele CA364694751.
Genomic context (GRCh38, chr6:73,194,594, plus strand): 5'-CTTTGGCTTCATTCCAGATCCCACCTTTTGAATGTGAACAGACATCTGACTATCAAAGCC[C>T]TGTGGATAGCAAAGATCTTTCGGGTTCCGCACAAAACAGTGGCTGCTTATCCAGATCAAC-3'
Protein context (NP_062816.2, residues 650-670): ECEQTSDYQS[Pro660Leu]VDSKDLSGSA